The following is an entry in ClinVar:

ClinVar aggregate classification (germline): Conflicting classifications of pathogenicity. Review status: criteria provided, conflicting classifications (1 of 4 stars). 4 submissions from 4 submitters: Uncertain significance (1); Benign (1); Likely benign (1). 1 of the submissions does not count toward it. Last evaluated 2025-12-16.

Conditions:
CYP24A1-related disorder. Also called: CYP24A1-related condition.
Hypercalcemia, infantile, 1 (HCINF1). Identifiers: Orphanet 300547, MedGen CN031131, MONDO:0020739, OMIM 143880.

Allele frequency attached by ClinVar (database versions not stated): gnomAD exomes 0.00020 and 0.00048; ExAC 0.00058; gnomAD 0.00179 and 0.00192; TOPMed 0.00195; 1000 Genomes Project 0.00200; 1000 Genomes Project 30x 0.00203; ESP Exome Variant Server 0.00231.
gnomAD v4.1: 572 of 1,614,198 alleles (0.035%); highest among the groups gnomAD compares: African/African-American, 0.69%; 2 homozygotes.

Submissions (4):

Labcorp Genetics (formerly Invitae), Labcorp
Classification: Benign. Last evaluated: 2025-12-16. Review status: criteria provided, single submitter. Criteria: Invitae Variant Classification Sherloc (09022015). Collection method: clinical testing. Allele origin: germline.

Blueprint Genetics
Classification: Uncertain significance. Last evaluated: 2023-05-17. Review status: criteria provided, single submitter. Criteria: ACMG Guidelines, 2015. Collection method: clinical testing. Allele origin: germline.

Illumina Laboratory Services, Illumina
Classification: Likely benign for Hypercalcemia, infantile, 1. Last evaluated: 2018-01-12. Review status: criteria provided, single submitter. Criteria: ICSL Variant Classification Criteria 13 December 2019. Collection method: clinical testing. Allele origin: germline.
Comment: This variant was observed in the ICSL laboratory as part of a predisposition screen in an ostensibly healthy population. It had not been previously curated by ICSL or reported in the Human Gene Mutation Database (HGMD: prior to June 1st, 2018), and was therefore a candidate for classification through an automated scoring system. Utilizing variant allele frequency, disease prevalence and penetrance estimates, and inheritance mode, an automated score was calculated to assess if this variant is too frequent to cause the disease. Based on the score and internal cut-off values, a variant classified as likely benign is not then subjected to further curation. The score for this variant resulted in a classification of likely benign for this disease.

PreventionGenetics, part of Exact Sciences
Classification: Likely benign for CYP24A1-related condition. Last evaluated: 2020-12-15. Review status: no assertion criteria provided. Collection method: clinical testing. Allele origin: germline. Not counted in ClinVar's aggregate classification.
Comment: This variant is classified as likely benign based on ACMG/AMP sequence variant interpretation guidelines (Richards et al. 2015 PMID: 25741868, with internal and published modifications).

NM_000782.5(CYP24A1):c.604G>C (p.Asp202His)

Gene: CYP24A1 (cytochrome P450 family 24 subfamily A member 1; minus strand). Cytogenetic location: 20q13.2.
Variant type: single nucleotide variant.
Coding change: c.604G>C on transcript NM_000782.5 (MANE Select); coding-DNA position 604, G replaced by C.
Protein change: p.Asp202His; replaces aspartic acid 202 with histidine.
Molecular consequence: missense variant.
Genome position (GRCh38, 1-based): chr20:54,169,628, C>G on the plus strand (G>C on the coding strand, the complement: CYP24A1 is on the minus strand). VCF-style: chr20-54169628-C-G. GRCh37 (hg19) VCF-style: chr20-52786167-C-G.
Other names: c.604G>C, p.Asp202His (NM_001128915.2); short protein forms D202H.
Identifiers: ClinVar variation 338829 (VCV000338829.18), dbSNP rs114579367, ClinGen allele CA9916079.
Genomic context (GRCh38, chr20:54,169,628, plus strand): 5'-AGCAAGTCTGTGACGACAACTTACTTTCAAACGACCATTTGTTCAGTTCGCTGTACAAGT[C>G]TTCAACGTGGCCTCTTTCATCACAGAGCTCATCTATTCTGCCCATAAAATCGGCCAAGAC-3'
Protein context (NP_000773.2, residues 192-212): ELCDERGHVE[Asp202His]LYSELNKWSF